The following is an entry in ClinVar:

NM_057175.5(NAA15):c.2162G>A (p.Cys721Tyr)

Gene: NAA15 (N-alpha-acetyltransferase 15, NatA auxiliary subunit; plus strand). Cytogenetic location: 4q31.1.
Variant type: single nucleotide variant.
Coding change: c.2162G>A on transcript NM_057175.5 (MANE Select); coding-DNA position 2162, G replaced by A.
Protein change: p.Cys721Tyr; replaces cysteine 721 with tyrosine.
Molecular consequence: missense variant.
Genome position (GRCh38, 1-based): chr4:139,384,838, G>A. VCF-style: chr4-139384838-G-A. GRCh37 (hg19) VCF-style: chr4-140305992-G-A.
Other names: c.2159G>A, p.Cys720Tyr (NM_001410842.1); short protein forms C721Y, C720Y.
Identifiers: ClinVar variation 3695187 (VCV003695187.6).

ClinVar aggregate classification (germline): Conflicting classifications of pathogenicity. Review status: criteria provided, conflicting classifications (1 of 4 stars). 2 submissions from 2 submitters: Uncertain significance (1); Likely benign (1). Last evaluated 2026-01-01.

gnomAD v4.1: 22 of 1,442,144 alleles (0.0015%); highest among the groups gnomAD compares: South Asian, 0.03%; no homozygotes.

Submissions (2):

CeGaT Center for Human Genetics Tuebingen
Classification: Likely benign. Last evaluated: 2026-01-01. Review status: criteria provided, single submitter. Criteria: CeGaT Center For Human Genetics Tuebingen Variant Classification Criteria Version 2. Collection method: clinical testing. Allele origin: germline. Affected: yes. Observed: 1 variant allele.
Comment: NAA15: BP4

Labcorp Genetics (formerly Invitae), Labcorp
Classification: Uncertain significance. Last evaluated: 2024-07-06. Review status: criteria provided, single submitter. Criteria: Invitae Variant Classification Sherloc (09022015). Collection method: clinical testing. Allele origin: germline.
Comment: This sequence change replaces cysteine, which is neutral and slightly polar, with tyrosine, which is neutral and polar, at codon 721 of the NAA15 protein (p.Cys721Tyr). This variant is present in population databases (rs758844401, gnomAD 0.01%). This variant has not been reported in the literature in individuals affected with NAA15-related conditions. An algorithm developed to predict the effect of missense changes on protein structure and function (PolyPhen-2) suggests that this variant is likely to be tolerated. In summary, the available evidence is currently insufficient to determine the role of this variant in disease. Therefore, it has been classified as a Variant of Uncertain Significance.